The following is an entry in ClinVar:

ClinVar aggregate classification (germline): Pathogenic (1 of 4 stars; one submission).

Conditions:
Hereditary nonpolyposis colorectal neoplasms. Identifiers: MedGen C0009405, MeSH D003123.

Submission:

Labcorp Genetics (formerly Invitae), Labcorp
Classification: Pathogenic for Hereditary nonpolyposis colorectal neoplasms. Last evaluated: 2020-03-23. Review status: criteria provided, single submitter. Criteria: Invitae Variant Classification Sherloc (09022015). Collection method: clinical testing. Allele origin: germline.
Comment: For these reasons, this variant has been classified as Pathogenic. Loss-of-function variants in MSH6 are known to be pathogenic (PMID: 18269114, 24362816). This variant has not been reported in the literature in individuals with MSH6-related conditions. This variant is not present in population databases (ExAC no frequency). This sequence change creates a premature translational stop signal (p.Arg1217Leufs*9) in the MSH6 gene. It is expected to result in an absent or disrupted protein product.

Literature cited by the submitters: PubMed 18269114; PubMed 24362816.

NM_000179.3(MSH6):c.3649_3655del (p.Arg1217fs)

Gene: MSH6 (mutS homolog 6; plus strand). Cytogenetic location: 2p16.3.
Variant type: Deletion.
Coding change: c.3649_3655del on transcript NM_000179.3 (MANE Select); coding-DNA positions 3649 to 3655, 7 bases deleted (AGAGGTA; older notation c.3649_3655delAGAGGTA).
Protein change: p.Arg1217fs; shifts the reading frame from arginine 1217.
Molecular consequence: frameshift variant.
Genome position (GRCh38, 1-based): chr2:47,806,206-47,806,212, AGAGGTA deleted; deleting any 7 consecutive bases within chr2:47,806,205-47,806,212 gives the same sequence; the c. name uses the placement nearest the transcript's 3' end. VCF-style (leftmost placement, unchanged base first): chr2-47806204-GAAGAGGT-G. GRCh37 (hg19) VCF-style: chr2-48033343-GAAGAGGT-G.
Other names: c.3259_3265del, p.Arg1087fs (NM_001281492.2); c.2743_2749del, p.Arg915fs (NM_001281493.2, NM_001281494.2); short protein forms R1087fs, R1217fs, R915fs.
Identifiers: ClinVar variation 1070940 (VCV001070940.7), dbSNP rs2104536532, ClinGen allele CA2499216122.